The following is an entry in ClinVar:

NM_001379081.2(FREM1):c.3854C>T (p.Ala1285Val)

Gene: FREM1 (FRAS1 related extracellular matrix 1; minus strand). Cytogenetic location: 9p22.3.
Variant type: single nucleotide variant.
Coding change: c.3854C>T on transcript NM_001379081.2 (MANE Select); coding-DNA position 3854, C replaced by T.
Protein change: p.Ala1285Val; replaces alanine 1285 with valine.
Molecular consequence: missense variant. On other transcripts: non-coding transcript variant (2).
Genome position (GRCh38, 1-based): chr9:14,792,870, G>A on the plus strand (C>T on the coding strand, the complement: FREM1 is on the minus strand). VCF-style: chr9-14792870-G-A. GRCh37 (hg19) VCF-style: chr9-14792868-G-A.
Other names: c.3854C>T, p.Ala1285Val (NM_144966.7); short protein forms A1285V.
Identifiers: ClinVar variation 1898535 (VCV001898535.5), dbSNP rs2540285147, ClinGen allele CA372967162.

ClinVar aggregate classification (germline): Uncertain significance (1 of 4 stars; one submission).

Submission:

Labcorp Genetics (formerly Invitae), Labcorp
Classification: Uncertain significance. Last evaluated: 2022-12-06. Review status: criteria provided, single submitter. Criteria: Invitae Variant Classification Sherloc (09022015). Collection method: clinical testing. Allele origin: germline.
Comment: In summary, the available evidence is currently insufficient to determine the role of this variant in disease. Therefore, it has been classified as a Variant of Uncertain Significance. Advanced modeling of protein sequence and biophysical properties (such as structural, functional, and spatial information, amino acid conservation, physicochemical variation, residue mobility, and thermodynamic stability) performed at Invitae indicates that this missense variant is not expected to disrupt FREM1 protein function. This variant has not been reported in the literature in individuals affected with FREM1-related conditions. This variant is not present in population databases (gnomAD no frequency). This sequence change replaces alanine, which is neutral and non-polar, with valine, which is neutral and non-polar, at codon 1285 of the FREM1 protein (p.Ala1285Val).